The following is an entry in ClinVar:

ClinVar aggregate classification (germline): Uncertain significance. Review status: criteria provided, multiple submitters, no conflicts (2 of 4 stars). 12 submissions from 12 submitters: Uncertain significance (10). 2 of the submissions do not count toward it. Last evaluated 2026-09-02.

Conditions:
FANCC-related disorder. Also called: FANCC-related condition.
Hereditary cancer-predisposing syndrome. Also called: Tumor predisposition; Neoplastic Syndromes, Hereditary; Hereditary Cancer Syndrome; Hereditary neoplastic syndrome. Identifiers: Orphanet 140162, MedGen C0027672, MeSH D009386, MONDO:0015356.
Fanconi anemia (FA). Also called: Fanconi's anemia. Identifiers: Orphanet 84, MedGen C0015625, MeSH D005199, MONDO:0019391.
Fanconi anemia complementation group C (FANCC). Also called: FANCC-Related Fanconi Anemia; Fanconi anemia, group C; FANCONI PANCYTOPENIA, TYPE 3; FACC. Identifiers: Orphanet 84, MedGen C3468041, MONDO:0009213, OMIM 227645.

Allele frequency attached by ClinVar (database versions not stated): gnomAD exomes 0.00012 and 0.00007; gnomAD 0.00006; TOPMed 0.00006; ExAC 0.00008.
gnomAD v4.1: 176 of 1,614,020 alleles (0.011%); highest among the groups gnomAD compares: Non-Finnish European, 0.015%; no homozygotes.

Submissions (12):

PreventionGenetics, part of Exact Sciences
Classification: Uncertain significance for FANCC-related condition. Last evaluated: 2026-09-02. Review status: criteria provided, single submitter. Criteria: ACMG Guidelines, 2015. Collection method: clinical testing. Allele origin: germline.
Comment: The FANCC c.767A>G variant is predicted to result in the amino acid substitution p.His256Arg. This amino acid change was identified in pancreatic cancer cases and controls (Case 5*38 in Shindo et al. 2017. PubMed ID: 28767289; Couch et al. 2005. PubMed ID: 15695377) in ovarian cancer cases and controls (Supp. Table 6, Song et al. 2020. PubMed ID: 32546565) and in breast cancer cases and controls (Breast Cancer Association Consortium et al. 2021. PubMed ID: 33471991). This variant is reported in 0.015% of alleles in individuals of European (Non-Finnish) descent in gnomAD and is interpreted as a variant of uncertain significance in ClinVar (Variation ID: 182476). At this time, the clinical significance of this variant is uncertain due to the absence of conclusive functional and genetic evidence.

Women's Health and Genetics/Laboratory Corporation of America, LabCorp
Classification: Uncertain significance. Last evaluated: 2025-10-06. Review status: criteria provided, single submitter. Criteria: LabCorp Variant Classification Summary - May 2015. Collection method: clinical testing. Allele origin: germline.
Comment: Variant summary: FANCC c.767A>G (p.His256Arg) results in a non-conservative amino acid change in the encoded protein sequence. Algorithms developed to predict the effect of missense changes on protein structure and function are either unavailable or do not agree on the potential impact of this missense change. The variant allele was found at a frequency of 6.8e-05 in 251426 control chromosomes (gnomAD). This frequency is not significantly higher than estimated for disease-causing variants in FANCC, allowing no conclusion about variant significance. c.767A>G has been observed in an individual affected with pancreatic cancer along with a potentially causitive variant (Shindo_2017). This report does not provide unequivocal conclusions about association of the variant with Fanconi Anemia Group C. To our knowledge, no experimental evidence demonstrating an impact on protein function has been reported. The following publications have been ascertained in the context of this evaluation (PMID: 15695377, 28767289). ClinVar contains an entry for this variant (Variation ID: 182476). Based on the evidence outlined above, the variant was classified as uncertain significance.

Quest Diagnostics Nichols Institute San Juan Capistrano
Classification: Uncertain significance. Last evaluated: 2025-09-03. Review status: criteria provided, single submitter. Criteria: Quest Diagnostics criteria. Collection method: clinical testing. Allele origin: unknown.
Comment: The FANCC c.767A>G (p.His256Arg) variant has been reported in the published literature in individuals with pancreatic cancer (PMID: 28767289 (2017), 32659497 (2020)), ovarian cancer (PMID: 32546565 (2021)), and breast cancer (PMID: 33471991 (2021), see also LOVD). This variant has also been identified in reportedly unaffected individuals (PMID: 15695377 (2005), 32546565 (2021), 33471991 (2021), see also LOVD). The frequency of this variant in the general population (Genome Aggregation Database) is uninformative in the assessment of its pathogenicity. Analysis of this variant using bioinformatics tools for the prediction of the effect of amino acid changes on protein structure and function yielded predictions that this variant is benign. Based on the available information, we are unable to determine the clinical significance of this variant.

CeGaT Center for Human Genetics Tuebingen
Classification: Uncertain significance. Last evaluated: 2025-06-01. Review status: criteria provided, single submitter. Criteria: CeGaT Center For Human Genetics Tuebingen Variant Classification Criteria Version 2. Collection method: clinical testing. Allele origin: germline. Affected: yes. Observed: 2 variant alleles.

Labcorp Genetics (formerly Invitae), Labcorp
Classification: Uncertain significance for Fanconi anemia. Last evaluated: 2025-01-26. Review status: criteria provided, single submitter. Criteria: Invitae Variant Classification Sherloc (09022015). Collection method: clinical testing. Allele origin: germline.
Comment: This sequence change replaces histidine, which is basic and polar, with arginine, which is basic and polar, at codon 256 of the FANCC protein (p.His256Arg). This variant is present in population databases (rs730881716, gnomAD 0.02%). This variant has not been reported in the literature in individuals affected with FANCC-related conditions. ClinVar contains an entry for this variant (Variation ID: 182476). Invitae Evidence Modeling of protein sequence and biophysical properties (such as structural, functional, and spatial information, amino acid conservation, physicochemical variation, residue mobility, and thermodynamic stability) indicates that this missense variant is not expected to disrupt FANCC protein function with a negative predictive value of 80%. In summary, the available evidence is currently insufficient to determine the role of this variant in disease. Therefore, it has been classified as a Variant of Uncertain Significance.

Blueprint Genetics
Classification: Uncertain significance. Last evaluated: 2024-09-09. Review status: criteria provided, single submitter. Criteria: ACMG Guidelines, 2015. Collection method: clinical testing. Allele origin: germline.

Fulgent Genetics
Classification: Uncertain significance for Fanconi anemia complementation group C. Last evaluated: 2024-05-23. Review status: criteria provided, single submitter. Criteria: ACMG Guidelines, 2015. Collection method: clinical testing. Allele origin: germline.

GeneDx
Classification: Uncertain significance. Last evaluated: 2024-05-21. Review status: criteria provided, single submitter. Criteria: GeneDx Variant Classification Process June 2021. Collection method: clinical testing. Allele origin: germline. Affected: yes.
Comment: In silico analysis supports that this missense variant has a deleterious effect on protein structure/function; This variant is associated with the following publications: (PMID: 32546565, 15695377, 26362256, 26689913, 28767289, 29719599, 32659497, Gordon2000[Book])

Ambry Genetics
Classification: Uncertain significance for Hereditary cancer-predisposing syndrome. Last evaluated: 2022-11-09. Review status: criteria provided, single submitter. Criteria: Ambry Variant Classification Scheme 2023. Collection method: clinical testing. Allele origin: germline.
Comment: The p.H256R variant (also known as c.767A>G), located in coding exon 7 of the FANCC gene, results from an A to G substitution at nucleotide position 767. The histidine at codon 256 is replaced by arginine, an amino acid with highly similar properties. In one study, this alteration was detected in 2/6385 invasive epithelial ovarian cancer patients and 5/6115 controls of broad European ancestry (Song H et al. J Med Genet, 2021 05;58:305-313). In another study, this alteration was identified in 0/421 pancreatic cancer cases and 1/654 controls (Couch FJ et al. Cancer Res. 2005 Jan;65:383-6). This amino acid position is not well conserved in available vertebrate species. In addition, this alteration is predicted to be tolerated by in silico analysis. Since supporting evidence is limited at this time, the clinical significance of this alteration remains unclear.

Institute for Clinical Genetics, University Hospital TU Dresden, University Hospital TU Dresden
Classification: Uncertain significance. Last evaluated: 2021-11-03. Review status: criteria provided, single submitter. Criteria: ACMG Guidelines, 2015. Collection method: clinical testing. Allele origin: germline.

Leiden Open Variation Database
Classification: Uncertain significance. Last evaluated: 2020-02-28. Review status: no assertion criteria provided. Collection method: curation. Allele origin: germline. Affected: yes. Not counted in ClinVar's aggregate classification.
Comment: Curator: Arleen D. Auerbach. Submitter to LOVD: Arleen D. Auerbach.

Natera, Inc.
Classification: Uncertain significance for Fanconi anemia, group C. Last evaluated: 2018-10-02. Review status: no assertion criteria provided. Collection method: clinical testing. Allele origin: germline. Not counted in ClinVar's aggregate classification.

Literature cited by the submitters: PubMed 15695377 (cited by 4 submitters); PubMed 28767289 (cited by Women's Health and Genetics/Laboratory Corporation of America, LabCorp and Quest Diagnostics Nichols Institute San Juan Capistrano); PubMed 33471991 (cited by Quest Diagnostics Nichols Institute San Juan Capistrano); PubMed 32546565 (cited by Quest Diagnostics Nichols Institute San Juan Capistrano and Ambry Genetics); PubMed 32659497 (cited by Quest Diagnostics Nichols Institute San Juan Capistrano).

NM_000136.3(FANCC):c.767A>G (p.His256Arg)

Genes: AOPEP (aminopeptidase O (putative); plus strand), FANCC (FA complementation group C; minus strand). Cytogenetic location: 9q22.32.
Variant type: single nucleotide variant.
Coding change: c.767A>G on transcript NM_000136.3 (MANE Select); coding-DNA position 767, A replaced by G.
Protein change: p.His256Arg; replaces histidine 256 with arginine.
Molecular consequence: missense variant.
Genome position (GRCh38, 1-based): chr9:95,135,422, T>C on the plus strand (A>G on the coding strand, the complement: FANCC is on the minus strand). VCF-style: chr9-95135422-T-C. GRCh37 (hg19) VCF-style: chr9-97897704-T-C.
Other names: p.H256R:CAT>CGT; c.767A>G, p.His256Arg (NM_001243743.2, NM_001243744.2); short protein forms H256R.
Identifiers: ClinVar variation 182476 (VCV000182476.69), dbSNP rs730881716, ClinGen allele CA299157.